The following is an entry in ClinVar:

NM_001365999.1(SZT2):c.7975-3C>T

Gene: SZT2 (SZT2 subunit of KICSTOR complex; plus strand). Cytogenetic location: 1p34.2.
Variant type: single nucleotide variant.
Coding change: c.7975-3C>T on transcript NM_001365999.1 (MANE Select); 3 bases into the intron before coding-DNA position 7975, C replaced by T.
Molecular consequence: intron variant.
Genome position (GRCh38, 1-based): chr1:43,442,439, C>T. VCF-style: chr1-43442439-C-T. GRCh37 (hg19) VCF-style: chr1-43908110-C-T.
Other names: c.7804-3C>T (NM_015284.4).
Identifiers: ClinVar variation 1907403 (VCV001907403.3), dbSNP rs771976831, ClinGen allele CA810423.

ClinVar aggregate classification (germline): Uncertain significance (1 of 4 stars; one submission).

Allele frequency attached by ClinVar (database versions not stated): gnomAD exomes below 0.00001; ExAC 0.00001.
gnomAD v4.1: 4 of 1,612,586 alleles (0.00025%); highest among the groups gnomAD compares: African/African-American, 0.0013%; no homozygotes.

Submission:

Labcorp Genetics (formerly Invitae), Labcorp
Classification: Uncertain significance. Last evaluated: 2022-04-30. Review status: criteria provided, single submitter. Criteria: Invitae Variant Classification Sherloc (09022015). Collection method: clinical testing. Allele origin: germline.
Comment: This sequence change falls in intron 56 of the SZT2 gene. It does not directly change the encoded amino acid sequence of the SZT2 protein. It affects a nucleotide within the consensus splice site. This variant is present in population databases (rs771976831, gnomAD 0.007%). This variant has not been reported in the literature in individuals affected with SZT2-related conditions. Variants that disrupt the consensus splice site are a relatively common cause of aberrant splicing (PMID: 17576681, 9536098). Algorithms developed to predict the effect of sequence changes on RNA splicing suggest that this variant is not likely to affect RNA splicing. In summary, the available evidence is currently insufficient to determine the role of this variant in disease. Therefore, it has been classified as a Variant of Uncertain Significance.

Literature cited by the submitters: PubMed 17576681; PubMed 9536098.